The following is an entry in ClinVar:

ClinVar aggregate classification (germline): Likely pathogenic. Review status: criteria provided, multiple submitters, no conflicts (2 of 4 stars). 4 submissions from 4 submitters: Likely pathogenic (3). 1 of the submissions does not count toward it. Last evaluated 2026-09-17.

Conditions:
Metachromatic leukodystrophy (MLD). Also called: METACHROMATIC LEUKOENCEPHALOPATHY; SULFATIDE LIPIDOSIS; Cerebral sclerosis diffuse metachromatic form; ARSA DEFICIENCY; CEREBROSIDE SULFATASE DEFICIENCY; Arylsulfatase A Deficiency. Identifiers: Orphanet 512, MedGen C0023522, MONDO:0018868, OMIM 250100.

Allele frequency attached by ClinVar (database versions not stated): gnomAD exomes below 0.00001.

Submissions (4):

Laboratory of Experimental Gene Therapy of Hereditary Metabolic Diseases, Research Centre for Medical Genetics
Classification: Likely pathogenic for Metachromatic leukodystrophy. Last evaluated: 2026-09-17. Review status: criteria provided, single submitter. Criteria: ARSA MLD Assertion Criteria V2 2026 09 18. Collection method: clinical testing. Allele origin: germline. Inheritance: Autosomal recessive inheritance. Affected: yes. Observed: 6 variant alleles, 6 compound heterozygotes.
Comment: The previously reported Likely pathogenic classification was reviewed and retained for the accompanying study. External ClinVar record reviewed: VCV000371149.10. Observations from the present referral series were not used to establish pathogenicity.

Labcorp Genetics (formerly Invitae), Labcorp
Classification: Likely pathogenic for Metachromatic leukodystrophy. Last evaluated: 2023-02-14. Review status: criteria provided, single submitter. Criteria: Invitae Variant Classification Sherloc (09022015). Collection method: clinical testing. Allele origin: germline.
Comment: In summary, the currently available evidence indicates that the variant is pathogenic, but additional data are needed to prove that conclusively. Therefore, this variant has been classified as Likely Pathogenic. Algorithms developed to predict the effect of sequence changes on RNA splicing suggest that this variant may disrupt the consensus splice site. ClinVar contains an entry for this variant (Variation ID: 371149). This variant has not been reported in the literature in individuals affected with ARSA-related conditions. This variant is not present in population databases (gnomAD no frequency). This sequence change affects an acceptor splice site in intron 2 of the ARSA gene. It is expected to disrupt RNA splicing. Variants that disrupt the donor or acceptor splice site typically lead to a loss of protein function (PMID: 16199547), and loss-of-function variants in ARSA are known to be pathogenic (PMID: 8962139, 10477432).

Neuberg Centre For Genomic Medicine, NCGM
Classification: Likely pathogenic for Metachromatic leukodystrophy. Review status: criteria provided, single submitter. Criteria: ACMG Guidelines, 2015. Collection method: clinical testing. Allele origin: germline. Inheritance: Autosomal recessive inheritance. Affected: yes.
Comment: The splice acceptor variant c.466-2A>G in ARSA (NM_000487.6) has been submitted to ClinVar as Likely Pathogenic, howevere no details are available for independent assesment. The variant has not been reported in affected patients.The c.466-2A>G variant is novel (not in any individuals) in gnomAD Exomes and is novel (not in any individuals) in 1000 Genomes. This variant mutates a splice-acceptor sequence, potentially resulting in exon skipping and the production of abnormal proteins. For these reasons, this variant has been classified as Likely Pathogenic.

Counsyl
Classification: Likely pathogenic for Metachromatic leukodystrophy. Last evaluated: 2016-07-14. Review status: no assertion criteria provided. Collection method: clinical testing. Allele origin: unknown. Not counted in ClinVar's aggregate classification.

Literature cited by the submitters: PubMed 16199547 (cited by Labcorp Genetics (formerly Invitae), Labcorp); PubMed 8962139 (cited by Labcorp Genetics (formerly Invitae), Labcorp); PubMed 10477432 (cited by Labcorp Genetics (formerly Invitae), Labcorp).

NM_000487.6(ARSA):c.466-2A>G

Gene: ARSA (arylsulfatase A; minus strand). Cytogenetic location: 22q13.33.
Variant type: single nucleotide variant.
Coding change: c.466-2A>G on transcript NM_000487.6 (MANE Select); the canonical splice acceptor site of the intron before coding-DNA position 466, A replaced by G.
Molecular consequence: splice acceptor variant.
Genome position (GRCh38, 1-based): chr22:50,627,054, T>C on the plus strand (A>G on the coding strand, the complement: ARSA is on the minus strand). VCF-style: chr22-50627054-T-C. GRCh37 (hg19) VCF-style: chr22-51065482-T-C.
Other names: c.466-2A>G (NM_001085427.3, NM_001085426.3, NM_001085425.3); c.208-2A>G (NM_001085428.3, NM_001362782.2).
Identifiers: ClinVar variation 371149 (VCV000371149.11), dbSNP rs1057517044, ClinGen allele CA16042043.
Genomic context (GRCh38, chr22:50,627,054, plus strand): 5'-TCACAGCCACCGTCGCAAGGAGTGGCCGGCGGGAAGCAGGTCAGGTTCTGGCAGGGGCCC[T>C]GAGGCGGGCAGCTGCCGTGAGGGCTGGGCTGGCAGGTGGGGCTGCGGGAGCATCAAGGGC-3'